The following is an entry in ClinVar:

ClinVar aggregate classification (germline): Uncertain significance (1 of 4 stars; one submission).

Conditions:
Inborn genetic diseases. Identifiers: MedGen C0950123, MeSH D030342.

Submission:

Ambry Genetics
Classification: Uncertain significance for Inborn genetic diseases. Last evaluated: 2024-12-08. Review status: criteria provided, single submitter. Criteria: Ambry Variant Classification Scheme 2023. Collection method: clinical testing. Allele origin: germline.
Comment: The p.K326N variant (also known as c.978G>C), located in coding exon 1 of the CEBPA gene, results from a G to C substitution at nucleotide position 978. The lysine at codon 326 is replaced by asparagine, an amino acid with similar properties. This amino acid position is conserved. In addition, this alteration is predicted to be tolerated by in silico analysis. Based on the available evidence, the clinical significance of this variant remains unclear.

NM_004364.5(CEBPA):c.978G>C (p.Lys326Asn)

Gene: CEBPA (CCAAT enhancer binding protein alpha; minus strand). Cytogenetic location: 19q13.11.
Variant type: single nucleotide variant.
Coding change: c.978G>C on transcript NM_004364.5 (MANE Select); coding-DNA position 978, G replaced by C.
Protein change: p.Lys326Asn; replaces lysine 326 with asparagine.
Molecular consequence: missense variant.
Genome position (GRCh38, 1-based): chr19:33,301,437, C>G on the plus strand (G>C on the coding strand, the complement: CEBPA is on the minus strand). VCF-style: chr19-33301437-C-G. GRCh37 (hg19) VCF-style: chr19-33792343-C-G.
Other names: c.621G>C, p.Lys207Asn (NM_001285829.2); c.1083G>C, p.Lys361Asn (NM_001287424.2); c.936G>C, p.Lys312Asn (NM_001287435.2); short protein forms K207N, K312N, K326N, K361N.
Identifiers: ClinVar variation 3489917 (VCV003489917.1).